The following is an entry in ClinVar:

ClinVar aggregate classification (germline): Likely benign (1 of 4 stars; one submission).

Conditions:
PHIP-related disorder. Also called: PHIP-related disorders; PHIP-related condition.

gnomAD v4.1: 1 of 1,530,760 alleles (0.000065%); highest among the groups gnomAD compares: Non-Finnish European, 0.00009%; no homozygotes.

Submission:

PreventionGenetics, part of Exact Sciences
Classification: Likely benign for PHIP-related condition. Last evaluated: 2025-06-13. Review status: criteria provided, single submitter. Criteria: ACMG Guidelines, 2015. Collection method: clinical testing. Allele origin: germline.
Comment: This variant is classified as likely benign based on ACMG/AMP sequence variant interpretation guidelines (Richards et al. 2015 PMID: 25741868, with internal and published modifications).

NM_017934.7(PHIP):c.2316A>T (p.Ser772=)

Gene: PHIP (PHIP subunit of CUL4-Ring ligase complex; minus strand). Cytogenetic location: 6q14.1.
Variant type: single nucleotide variant.
Coding change: c.2316A>T on transcript NM_017934.7 (MANE Select); coding-DNA position 2316, A replaced by T.
Protein change: p.Ser772=; no amino-acid change (serine 772 retained).
Molecular consequence: synonymous variant.
Genome position (GRCh38, 1-based): chr6:78,990,871, T>A on the plus strand (A>T on the coding strand, the complement: PHIP is on the minus strand). VCF-style: chr6-78990871-T-A. GRCh37 (hg19) VCF-style: chr6-79700588-T-A.
Identifiers: ClinVar variation 4999801 (VCV004999801.1).
Genomic context (GRCh38, chr6:78,990,871, plus strand): 5'-AAAATGGTCACTATACTTAAGAAGCAAATATTAAACATCAAAATAATTAATATGTACCTT[T>A]GAGACAGTGGGTATTTTATTCTCTTTTGGAACAGTTAAGTGTTTTCTTTTCTCTTCTGAC-3'
Protein context (NP_060404.4, residues 762-782): VPKENKIPTV[Ser772=]KNHAHEHFLD